The following is an entry in ClinVar:

NM_004006.3(DMD):c.1570C>T (p.His524Tyr)

Gene: DMD (dystrophin; minus strand). Cytogenetic location: Xp21.1.
Variant type: single nucleotide variant.
Coding change: c.1570C>T on transcript NM_004006.3 (MANE Select); coding-DNA position 1570, C replaced by T.
Protein change: p.His524Tyr; replaces histidine 524 with tyrosine.
Molecular consequence: missense variant.
Genome position (GRCh38, 1-based): chrX:32,595,789, G>A on the plus strand (C>T on the coding strand, the complement: DMD is on the minus strand). VCF-style: chrX-32595789-G-A. GRCh37 (hg19) VCF-style: chrX-32613906-G-A.
Other names: c.1546C>T, p.His516Tyr (NM_000109.4); c.1558C>T, p.His520Tyr (NM_004009.3); c.1201C>T, p.His401Tyr (NM_004010.3); short protein forms H401Y, H520Y, H524Y, H516Y.
Identifiers: ClinVar variation 3634864 (VCV003634864.2).

ClinVar aggregate classification (germline): Uncertain significance (1 of 4 stars; one submission).

Conditions:
Duchenne muscular dystrophy (DMD). Also called: MUSCULAR DYSTROPHY, PSEUDOHYPERTROPHIC PROGRESSIVE, DUCHENNE TYPE; Duchenne Muscular Dystrophy (DMD). Identifiers: Orphanet 98896, MedGen C0013264, MONDO:0010679, OMIM 310200.

Submission:

Labcorp Genetics (formerly Invitae), Labcorp
Classification: Uncertain significance for Duchenne muscular dystrophy. Last evaluated: 2024-08-05. Review status: criteria provided, single submitter. Criteria: Invitae Variant Classification Sherloc (09022015). Collection method: clinical testing. Allele origin: germline.
Comment: This sequence change replaces histidine, which is basic and polar, with tyrosine, which is neutral and polar, at codon 524 of the DMD protein (p.His524Tyr). This variant is not present in population databases (gnomAD no frequency). This variant has not been reported in the literature in individuals affected with DMD-related conditions. Advanced modeling of protein sequence and biophysical properties (such as structural, functional, and spatial information, amino acid conservation, physicochemical variation, residue mobility, and thermodynamic stability) performed at Invitae indicates that this missense variant is not expected to disrupt DMD protein function with a negative predictive value of 95%. In summary, the available evidence is currently insufficient to determine the role of this variant in disease. Therefore, it has been classified as a Variant of Uncertain Significance.